The following is an entry in ClinVar:

NM_144670.6(A2ML1):c.2087A>T (p.His696Leu)

Gene: A2ML1 (alpha-2-macroglobulin like 1; plus strand). Cytogenetic location: 12p13.31.
Variant type: single nucleotide variant.
Coding change: c.2087A>T on transcript NM_144670.6 (MANE Select); coding-DNA position 2087, A replaced by T.
Protein change: p.His696Leu; replaces histidine 696 with leucine.
Molecular consequence: missense variant.
Genome position (GRCh38, 1-based): chr12:8,849,727, A>T. VCF-style: chr12-8849727-A-T. GRCh37 (hg19) VCF-style: chr12-9002323-A-T.
Other names: c.614A>T, p.His205Leu (NM_001282424.3); c.2087A>T (NM_144670.3); short protein forms H205L, H696L.
Identifiers: ClinVar variation 1044319 (VCV001044319.9), dbSNP rs1943823481, ClinGen allele CA383831924.

ClinVar aggregate classification (germline): Uncertain significance. Review status: criteria provided, multiple submitters, no conflicts (2 of 4 stars). 2 submissions from 2 submitters: Uncertain significance (2). Last evaluated 2024-06-28.

Allele frequency attached by ClinVar (database versions not stated): gnomAD 0.00001; TOPMed 0.00001.
gnomAD v4.1: 14 of 1,614,102 alleles (0.00087%); highest among the groups gnomAD compares: Non-Finnish European, 0.0011%; no homozygotes.

Submissions (2):

Ambry Genetics
Classification: Uncertain significance. Last evaluated: 2024-06-28. Review status: criteria provided, single submitter. Criteria: Ambry Variant Classification Scheme 2023. Collection method: clinical testing. Allele origin: germline.
Comment: The p.H696L variant (also known as c.2087A>T), located in coding exon 17 of the A2ML1 gene, results from an A to T substitution at nucleotide position 2087. The histidine at codon 696 is replaced by leucine, an amino acid with similar properties. This amino acid position is conserved. In addition, this alteration is predicted to be tolerated by in silico analysis. Based on the available evidence, the clinical significance of this variant remains unclear.

Labcorp Genetics (formerly Invitae), Labcorp
Classification: Uncertain significance. Last evaluated: 2022-02-19. Review status: criteria provided, single submitter. Criteria: Invitae Variant Classification Sherloc (09022015). Collection method: clinical testing. Allele origin: germline.
Comment: This sequence change replaces histidine, which is basic and polar, with leucine, which is neutral and non-polar, at codon 696 of the A2ML1 protein (p.His696Leu). This variant is not present in population databases (gnomAD no frequency). In summary, the available evidence is currently insufficient to determine the role of this variant in disease. Therefore, it has been classified as a Variant of Uncertain Significance. Algorithms developed to predict the effect of missense changes on protein structure and function (SIFT, PolyPhen-2, Align-GVGD) all suggest that this variant is likely to be tolerated. ClinVar contains an entry for this variant (Variation ID: 1044319). This variant has not been reported in the literature in individuals affected with A2ML1-related conditions.